The following is an entry in ClinVar:

NM_001271696.3(ABCB7):c.2092C>T (p.His698Tyr)

Gene: ABCB7 (ATP binding cassette subfamily B member 7; minus strand). Cytogenetic location: Xq13.3.
Variant type: single nucleotide variant.
Coding change: c.2092C>T on transcript NM_001271696.3 (MANE Select); coding-DNA position 2092, C replaced by T.
Protein change: p.His698Tyr; replaces histidine 698 with tyrosine.
Molecular consequence: missense variant.
Genome position (GRCh38, 1-based): chrX:75,053,537, G>A on the plus strand (C>T on the coding strand, the complement: ABCB7 is on the minus strand). VCF-style: chrX-75053537-G-A. GRCh37 (hg19) VCF-style: chrX-74273372-G-A.
Other names: c.1972C>T, p.His658Tyr (NM_001271697.3); c.2014C>T, p.His672Tyr (NM_001271698.3); c.1975C>T, p.His659Tyr (NM_001271699.3); c.2095C>T, p.His699Tyr (NM_004299.6); short protein forms H699Y, H672Y, H698Y, H658Y, H659Y.
Identifiers: ClinVar variation 4723408 (VCV004723408.1).

ClinVar aggregate classification (germline): Uncertain significance (1 of 4 stars; one submission).

Submission:

Labcorp Genetics (formerly Invitae), Labcorp
Classification: Uncertain significance. Last evaluated: 2025-07-16. Review status: criteria provided, single submitter. Criteria: Invitae Variant Classification Sherloc (09022015). Collection method: clinical testing. Allele origin: germline.
Comment: This sequence change replaces histidine, which is basic and polar, with tyrosine, which is neutral and polar, at codon 699 of the ABCB7 protein (p.His699Tyr). This variant is not present in population databases (gnomAD no frequency). This variant has not been reported in the literature in individuals affected with ABCB7-related conditions. An algorithm developed to predict the effect of missense changes on protein structure and function (PolyPhen-2) suggests that this variant is likely to be tolerated. In summary, the available evidence is currently insufficient to determine the role of this variant in disease. Therefore, it has been classified as a Variant of Uncertain Significance.